The following is an entry in ClinVar:

NM_001130987.2(DYSF):c.1226G>T (p.Arg409Leu)

Gene: DYSF (dysferlin; plus strand). Cytogenetic location: 2p13.2.
Variant type: single nucleotide variant.
Coding change: c.1226G>T on transcript NM_001130987.2 (MANE Select); coding-DNA position 1226, G replaced by T.
Protein change: p.Arg409Leu; replaces arginine 409 with leucine.
Molecular consequence: missense variant.
Genome position (GRCh38, 1-based): chr2:71,526,296, G>T. VCF-style: chr2-71526296-G-T. GRCh37 (hg19) VCF-style: chr2-71753426-G-T.
Other names: c.1133G>T, p.Arg378Leu (NM_001130455.2, NM_001130983.2, NM_001130984.2 and 1 more transcripts); c.1130G>T, p.Arg377Leu (NM_001130976.2, NM_001130977.2, NM_001130978.2 and 1 more transcripts); c.1223G>T, p.Arg408Leu (NM_001130979.2, NM_001130980.2, NM_001130981.2); c.1226G>T, p.Arg409Leu (NM_001130982.2, NM_001130985.2); short protein forms R377L, R378L, R408L, R409L.
Identifiers: ClinVar variation 1017821 (VCV001017821.8), dbSNP rs1224332034, ClinGen allele CA347213361.
Genomic context (GRCh38, chr2:71,526,296, plus strand): 5'-CCTCTGAAGACAAGGAGGACATTGAAAGCAACCTGCTCCGGCCCACAGGCGTAGCCCTGC[G>T]AGGAGCCCACTTCTGCCTGAAGGTCTTCCGGGCCGAGGACTTGCCGCAGAGTGCGTGGGG-3'
Protein context (NP_001124459.1, residues 399-419): NLLRPTGVAL[Arg409Leu]GAHFCLKVFR

ClinVar aggregate classification (germline): Uncertain significance (1 of 4 stars; one submission).

Conditions:
Neuromuscular disease caused by qualitative or quantitative defects of dysferlin. Also called: Dysferlinopathy; Qualitative or quantitative defects of dysferlin. Identifiers: Orphanet 207073, MedGen C2931687, MONDO:0016145.

Allele frequency attached by ClinVar (database versions not stated): TOPMed 0.00001.

Submission:

Labcorp Genetics (formerly Invitae), Labcorp
Classification: Uncertain significance for Neuromuscular disease caused by qualitative or quantitative defects of dysferlin. Last evaluated: 2025-04-07. Review status: criteria provided, single submitter. Criteria: Invitae Variant Classification Sherloc (09022015). Collection method: clinical testing. Allele origin: germline.
Comment: This sequence change replaces arginine, which is basic and polar, with leucine, which is neutral and non-polar, at codon 377 of the DYSF protein (p.Arg377Leu). This variant is not present in population databases (gnomAD no frequency). This variant has not been reported in the literature in individuals affected with DYSF-related conditions. ClinVar contains an entry for this variant (Variation ID: 1017821). Invitae Evidence Modeling of protein sequence and biophysical properties (such as structural, functional, and spatial information, amino acid conservation, physicochemical variation, residue mobility, and thermodynamic stability) indicates that this missense variant is not expected to disrupt DYSF protein function with a negative predictive value of 95%. In summary, the available evidence is currently insufficient to determine the role of this variant in disease. Therefore, it has been classified as a Variant of Uncertain Significance.